The following is an entry in ClinVar:

ClinVar aggregate classification (germline): Uncertain significance. Review status: criteria provided, multiple submitters, no conflicts (2 of 4 stars). 2 submissions from 2 submitters: Uncertain significance (2). Last evaluated 2026-07-15.

Conditions:
JAG1-related disorder. Also called: JAG1-related disorders; JAG1-related condition.

Submissions (2):

PreventionGenetics, part of Exact Sciences
Classification: Uncertain significance for JAG1-related condition. Last evaluated: 2026-07-15. Review status: criteria provided, single submitter. Criteria: ACMG Guidelines, 2015. Collection method: clinical testing. Allele origin: germline.
Comment: The JAG1 c.3596_3599delAACA variant is predicted to result in a frameshift and premature protein termination (p.Lys1199Argfs*12). To our knowledge, this variant has not been reported in the literature. This variant is located in the last exon of JAG1, disrupting the final 19 amino acids, and is not predicted to undergo nonsense mediated decay. Although other truncating variants in JAG1 have been reported as pathogenic, nearly all occur upstream of this variant and are not located in the final exon. However, one truncating variant has been reported downstream in an individual with tetralogy of Fallot (Glaeser et al. 2006. PubMed ID: 17128462). This variant is reported in 0.00088% of alleles in individuals of European (Non-Finnish) descent in gnomAD. At this time, the clinical significance of this variant is uncertain due to the absence of conclusive functional and genetic evidence.

GeneDx
Classification: Uncertain significance. Last evaluated: 2024-11-23. Review status: criteria provided, single submitter. Criteria: GeneDx Variant Classification Process June 2021. Collection method: clinical testing. Allele origin: germline. Affected: yes.
Comment: Frameshift variant predicted to result in abnormal protein length as the last 20 amino acids are replaced with 11 different amino acids; Not observed at significant frequency in large population cohorts (gnomAD); Has not been previously published as pathogenic or benign to our knowledge

NM_000214.3(JAG1):c.3596_3599del (p.Lys1199fs)

Gene: JAG1 (jagged canonical Notch ligand 1; minus strand). Cytogenetic location: 20p12.2.
Variant type: Microsatellite.
Coding change: c.3596_3599del on transcript NM_000214.3 (MANE Select); coding-DNA positions 3596 to 3599, 4 bases deleted (AACA; older notation c.3596_3599delAACA).
Protein change: p.Lys1199fs; shifts the reading frame from lysine 1199.
Molecular consequence: frameshift variant.
Genome position (GRCh38, 1-based): chr20:10,639,556-10,639,559, TGTT deleted on the plus strand (AACA on the coding strand, the reverse complement: JAG1 is on the minus strand); deleting any 4 consecutive bases within chr20:10,639,556-10,639,566 gives the same sequence; the c. name uses the placement nearest the transcript's 3' end. VCF-style (leftmost placement, unchanged base first): chr20-10639555-CTGTT-C. GRCh37 (hg19) VCF-style: chr20-10620203-CTGTT-C.
Other names: c.3596_3599delAACA (NM_000214.2); short protein forms K1199fs.
Identifiers: ClinVar variation 3900167 (VCV003900167.2).